The following is an entry in ClinVar:

NM_002473.6(MYH9):c.1102A>G (p.Asn368Asp)

Gene: MYH9 (myosin heavy chain 9; minus strand). Cytogenetic location: 22q12.3.
Variant type: single nucleotide variant.
Coding change: c.1102A>G on transcript NM_002473.6 (MANE Select); coding-DNA position 1102, A replaced by G.
Protein change: p.Asn368Asp; replaces asparagine 368 with aspartic acid.
Molecular consequence: missense variant.
Genome position (GRCh38, 1-based): chr22:36,319,546, T>C on the plus strand (A>G on the coding strand, the complement: MYH9 is on the minus strand). VCF-style: chr22-36319546-T-C. GRCh37 (hg19) VCF-style: chr22-36715591-T-C.
Other names: c.1102A>G (NM_002473.4); short protein forms N368D.
Identifiers: ClinVar variation 2198172 (VCV002198172.5), dbSNP rs746155138, ClinGen allele CA10210389.
Genomic context (GRCh38, chr22:36,319,546, plus strand): 5'-ATCCATGGCCAAGCACCTGCCCCATTATTTCCAGCGAGAGGCCCCGGGTGTTACCTGTGT[T>C]GTCGGGCATGGACGCCTGGTCAGTGTTCCGCTCCTTCTTGAAGACGATGTTGCCGAGCTG-3'
Protein context (NP_002464.1, residues 358-378): RNTDQASMPD[Asn368Asp]TAAQKVSHLL

ClinVar aggregate classification (germline): Uncertain significance. Review status: criteria provided, multiple submitters, no conflicts (2 of 4 stars). 2 submissions from 2 submitters: Uncertain significance (2). Last evaluated 2025-07-20.

Conditions:
Inborn genetic diseases. Identifiers: MedGen C0950123, MeSH D030342.

Allele frequency attached by ClinVar (database versions not stated): gnomAD 0.00001; TOPMed 0.00001; ExAC 0.00003; gnomAD exomes 0.00005.
gnomAD v4.1: 70 of 1,614,044 alleles (0.0043%); highest among the groups gnomAD compares: Non-Finnish European, 0.0057%; no homozygotes.

Submissions (2):

Labcorp Genetics (formerly Invitae), Labcorp
Classification: Uncertain significance. Last evaluated: 2025-07-20. Review status: criteria provided, single submitter. Criteria: Invitae Variant Classification Sherloc (09022015). Collection method: clinical testing. Allele origin: germline.
Comment: This sequence change replaces asparagine, which is neutral and polar, with aspartic acid, which is acidic and polar, at codon 368 of the MYH9 protein (p.Asn368Asp). This variant is present in population databases (rs746155138, gnomAD 0.004%). This variant has not been reported in the literature in individuals affected with MYH9-related conditions. ClinVar contains an entry for this variant (Variation ID: 2198172). Invitae Evidence Modeling of protein sequence and biophysical properties (such as structural, functional, and spatial information, amino acid conservation, physicochemical variation, residue mobility, and thermodynamic stability) indicates that this missense variant is not expected to disrupt MYH9 protein function with a negative predictive value of 95%. In summary, the available evidence is currently insufficient to determine the role of this variant in disease. Therefore, it has been classified as a Variant of Uncertain Significance.

Ambry Genetics
Classification: Uncertain significance for Inborn genetic diseases. Last evaluated: 2024-01-23. Review status: criteria provided, single submitter. Criteria: Ambry Variant Classification Scheme 2023. Collection method: clinical testing. Allele origin: germline.